The following is an entry in ClinVar:

NM_004656.4(BAP1):c.818C>A (p.Thr273Asn)

Gene: BAP1 (BRCA1 associated deubiquitinase 1; minus strand). Cytogenetic location: 3p21.1.
Variant type: single nucleotide variant.
Coding change: c.818C>A on transcript NM_004656.4 (MANE Select); coding-DNA position 818, C replaced by A.
Protein change: p.Thr273Asn; replaces threonine 273 with asparagine.
Molecular consequence: missense variant.
Genome position (GRCh38, 1-based): chr3:52,405,878, G>T on the plus strand (C>A on the coding strand, the complement: BAP1 is on the minus strand). VCF-style: chr3-52405878-G-T. GRCh37 (hg19) VCF-style: chr3-52439894-G-T.
Other names: short protein forms T273N.
Identifiers: ClinVar variation 490897 (VCV000490897.6), dbSNP rs1553645502, ClinGen allele CA353106872.

ClinVar aggregate classification (germline): Uncertain significance (1 of 4 stars; one submission).

Conditions:
Hereditary cancer-predisposing syndrome. Also called: Hereditary Cancer Syndrome; Neoplastic Syndromes, Hereditary; Tumor predisposition; Hereditary neoplastic syndrome. Identifiers: Orphanet 140162, MedGen C0027672, MeSH D009386, MONDO:0015356.

Submission:

Color Diagnostics, LLC DBA Color Health
Classification: Uncertain significance for Hereditary cancer-predisposing syndrome. Last evaluated: 2023-12-05. Review status: criteria provided, single submitter. Criteria: ACMG Guidelines, 2015. Collection method: clinical testing. Allele origin: germline.
Comment: This missense variant replaces threonine with asparagine at codon 273 of the BAP1 protein. Computational prediction suggests that this variant may not impact protein structure and function (internally defined REVEL score threshold <= 0.5, PMID: 27666373). To our knowledge, functional studies have not been reported for this variant. This variant has not been reported in individuals affected with BAP1-related disorders in the literature. This variant has not been identified in the general population by the Genome Aggregation Database (gnomAD). The available evidence is insufficient to determine the role of this variant in disease conclusively. Therefore, this variant is classified as a Variant of Uncertain Significance.